The following is an entry in ClinVar:

ClinVar aggregate classification (germline): Pathogenic (1 of 4 stars; one submission).

Submissions (2):

Labcorp Genetics (formerly Invitae), Labcorp
Classification: Pathogenic. Last evaluated: 2024-01-02. Review status: criteria provided, single submitter. Criteria: Invitae Variant Classification Sherloc (09022015). Collection method: clinical testing. Allele origin: germline.
Comment: This sequence change replaces serine, which is neutral and polar, with proline, which is neutral and non-polar, at codon 347 of the FH protein (p.Ser347Pro). This variant is not present in population databases (gnomAD no frequency). This missense change has been observed in individual(s) with clinical features of autosomal dominant hereditary leiomyomatosis and renal cell cancer (Invitae). It has also been observed to segregate with disease in related individuals. ClinVar contains an entry for this variant (Variation ID: 1992713). Advanced modeling of protein sequence and biophysical properties (such as structural, functional, and spatial information, amino acid conservation, physicochemical variation, residue mobility, and thermodynamic stability) performed at Invitae indicates that this missense variant is expected to disrupt FH protein function with a positive predictive value of 95%. For these reasons, this variant has been classified as Pathogenic.

Blake Wilde Laboratory, Roswell Park Comprehensive Cancer Center
No classification provided (evidence only). Condition: Hereditary leiomyomatosis and renal cell cancer. Review status: no classification provided. Collection method: in vitro. Allele origin: not applicable. Functional consequence: decreased enzyme activity. Not counted in ClinVar's aggregate classification.

NM_000143.4(FH):c.1039T>C (p.Ser347Pro)

Gene: FH (fumarate hydratase; minus strand). Cytogenetic location: 1q43.
Variant type: single nucleotide variant.
Coding change: c.1039T>C on transcript NM_000143.4 (MANE Select); coding-DNA position 1039, T replaced by C.
Protein change: p.Ser347Pro; replaces serine 347 with proline.
Molecular consequence: missense variant.
Genome position (GRCh38, 1-based): chr1:241,504,111, A>G on the plus strand (T>C on the coding strand, the complement: FH is on the minus strand). VCF-style: chr1-241504111-A-G. GRCh37 (hg19) VCF-style: chr1-241667411-A-G.
Other names: short protein forms S347P.
Identifiers: ClinVar variation 1992713 (VCV001992713.4), dbSNP rs2527319345, ClinGen allele CA345438170.